The following is an entry in ClinVar:

ClinVar aggregate classification (germline): Pathogenic (1 of 4 stars; one submission).

Conditions:
Rare genetic deafness. Identifiers: Orphanet 96210, MedGen C5680250.

Submission:

Laboratory for Molecular Medicine, Mass General Brigham Personalized Medicine
Classification: Pathogenic for Rare genetic deafness. Last evaluated: 2013-08-08. Review status: criteria provided, single submitter. Criteria: LMM Criteria. Collection method: clinical testing. Allele origin: germline. Observed: 2 variant alleles.
Comment: The Ile8fs variant in TMC1 has not been reported in individuals with hearing los s or in large population studies. This frameshift variant is predicted to alter the protein?s amino acid sequence beginning at position 8 and lead to a prematur e termination codon 31 amino acids downstream. This alteration is then predicted to lead to a truncated or absent protein. Loss-of-function variants in TMC1 hav e been associated with hearing loss. In summary, this variant meets our criteri a to be classified as pathogenic.

NM_138691.3(TMC1):c.22del (p.Ile8fs)

Gene: TMC1 (transmembrane channel like 1; plus strand). Cytogenetic location: 9q21.13.
Variant type: Deletion.
Coding change: c.22del on transcript NM_138691.3 (MANE Select); coding-DNA position 22, one base deleted (A; older notation c.22delA).
Protein change: p.Ile8fs; shifts the reading frame from isoleucine 8.
Molecular consequence: frameshift variant.
Genome position (GRCh38, 1-based): chr9:72,688,714, A deleted; the last of 3 consecutive A bases (chr9:72,688,712-72,688,714); deleting any one gives the same sequence. VCF-style (leftmost placement, unchanged base first): chr9-72688711-CA-C. GRCh37 (hg19) VCF-style: chr9-75303627-CA-C.
Other names: c.22delA (NM_138691.2); short protein forms I8fs.
Identifiers: ClinVar variation 178942 (VCV000178942.5), dbSNP rs727504554, ClinGen allele CA273572.